The following is an entry in ClinVar:

NM_000168.6(GLI3):c.2278G>A (p.Ala760Thr)

Gene: GLI3 (GLI family zinc finger 3; minus strand). Cytogenetic location: 7p14.1.
Variant type: single nucleotide variant.
Coding change: c.2278G>A on transcript NM_000168.6 (MANE Select); coding-DNA position 2278, G replaced by A.
Protein change: p.Ala760Thr; replaces alanine 760 with threonine.
Molecular consequence: missense variant.
Genome position (GRCh38, 1-based): chr7:41,967,749, C>T on the plus strand (G>A on the coding strand, the complement: GLI3 is on the minus strand). VCF-style: chr7-41967749-C-T. GRCh37 (hg19) VCF-style: chr7-42007347-C-T.
Other names: short protein forms A760T.
Identifiers: ClinVar variation 3854232 (VCV003854232.2).

ClinVar aggregate classification (germline): Uncertain significance. Review status: criteria provided, multiple submitters, no conflicts (2 of 4 stars). 2 submissions from 2 submitters: Uncertain significance (2). Last evaluated 2025-02-20.

Conditions:
Inborn genetic diseases. Identifiers: MedGen C0950123, MeSH D030342.

Submissions (2):

Ambry Genetics
Classification: Uncertain significance for Inborn genetic diseases. Last evaluated: 2025-02-20. Review status: criteria provided, single submitter. Criteria: Ambry Variant Classification Scheme 2023. Collection method: clinical testing. Allele origin: germline.

GeneDx
Classification: Uncertain significance. Last evaluated: 2024-12-09. Review status: criteria provided, single submitter. Criteria: GeneDx Variant Classification Process June 2021. Collection method: clinical testing. Allele origin: germline. Affected: yes.
Comment: Not observed at significant frequency in large population cohorts (gnomAD); In silico analysis supports that this missense variant has a deleterious effect on protein structure/function; Has not been previously published as pathogenic or benign to our knowledge